The following is an entry in ClinVar:

ClinVar aggregate classification (germline): Pathogenic/Likely pathogenic. Review status: criteria provided, multiple submitters, no conflicts (2 of 4 stars). 2 submissions from 2 submitters: Pathogenic (1); Likely pathogenic (1). Last evaluated 2023-12-27.

Conditions:
Autosomal recessive nonsyndromic hearing loss 23. Identifiers: Orphanet 90636, MedGen C1836027, MONDO:0012293, OMIM 609533.

Submissions (2):

Baylor Genetics
Classification: Likely pathogenic for Autosomal recessive nonsyndromic hearing loss 23. Last evaluated: 2023-12-27. Review status: criteria provided, single submitter. Criteria: ACMG Guidelines, 2015. Collection method: clinical testing. Allele origin: unknown.

Labcorp Genetics (formerly Invitae), Labcorp
Classification: Pathogenic. Last evaluated: 2023-09-08. Review status: criteria provided, single submitter. Criteria: Invitae Variant Classification Sherloc (09022015). Collection method: clinical testing. Allele origin: germline.
Comment: This variant has not been reported in the literature in individuals affected with PCDH15-related conditions. ClinVar contains an entry for this variant (Variation ID: 664974). For these reasons, this variant has been classified as Pathogenic. This variant is not present in population databases (gnomAD no frequency). This sequence change creates a premature translational stop signal (p.Asn122Lysfs*14) in the PCDH15 gene. It is expected to result in an absent or disrupted protein product. Loss-of-function variants in PCDH15 are known to be pathogenic (PMID: 11398101, 11487575, 14570705).

Literature cited by the submitters: PubMed 11398101 (cited by Labcorp Genetics (formerly Invitae), Labcorp); PubMed 11487575 (cited by Labcorp Genetics (formerly Invitae), Labcorp); PubMed 14570705 (cited by Labcorp Genetics (formerly Invitae), Labcorp).

NM_001384140.1(PCDH15):c.366del (p.Asn122fs)

Gene: PCDH15 (protocadherin related 15; minus strand). Cytogenetic location: 10q21.1.
Variant type: Deletion.
Coding change: c.366del on transcript NM_001384140.1 (MANE Select); coding-DNA position 366, one base deleted (C; older notation c.366delC).
Protein change: p.Asn122fs; shifts the reading frame from asparagine 122.
Molecular consequence: frameshift variant.
Genome position (GRCh38, 1-based): chr10:54,369,228, G deleted on the plus strand (C on the coding strand, the reverse complement: PCDH15 is on the minus strand). VCF-style (leftmost placement, unchanged base first): chr10-54369227-TG-T. GRCh37 (hg19) VCF-style: chr10-56128987-TG-T.
Other names: c.381del, p.Asn127fs (NM_001142763.2, NM_001142771.2); c.366del, p.Asn122fs (NM_001142764.2, NM_001142765.2, NM_001142766.2 and 8 more transcripts); c.300del, p.Asn100fs (NM_001142768.2, NM_001142773.2, NM_001354404.2); c.381delC, p.Asn127Lysfs (NM_001142769.4); short protein forms N100fs, N122fs, N127fs.
Identifiers: ClinVar variation 664974 (VCV000664974.8), dbSNP rs1589072933, ClinGen allele CA915945913.